The following is an entry in ClinVar:

ClinVar aggregate classification (germline): Uncertain significance. Review status: criteria provided, multiple submitters, no conflicts (2 of 4 stars). 2 submissions from 2 submitters: Uncertain significance (2). Last evaluated 2023-08-02.

Conditions:
Genitopatellar syndrome (GTPTS). Also called: ABSENT PATELLAE, SCROTAL HYPOPLASIA, RENAL ANOMALIES, FACIAL DYSMORPHISM, AND MENTAL RETARDATION; Genitopatellar syndrome (GPS). Identifiers: Orphanet 85201, MedGen C1853566, MONDO:0011640, OMIM 606170.
Inborn genetic diseases. Identifiers: MedGen C0950123, MeSH D030342.

Submissions (2):

Ambry Genetics
Classification: Uncertain significance for Inborn genetic diseases. Last evaluated: 2023-08-02. Review status: criteria provided, single submitter. Criteria: Ambry Variant Classification Scheme 2023. Collection method: clinical testing. Allele origin: germline.

Labcorp Genetics (formerly Invitae), Labcorp
Classification: Uncertain significance for Genitopatellar syndrome. Last evaluated: 2022-10-31. Review status: criteria provided, single submitter. Criteria: Invitae Variant Classification Sherloc (09022015). Collection method: clinical testing. Allele origin: germline.
Comment: This sequence change replaces methionine, which is neutral and non-polar, with valine, which is neutral and non-polar, at codon 363 of the KAT6B protein (p.Met363Val). In summary, the available evidence is currently insufficient to determine the role of this variant in disease. Therefore, it has been classified as a Variant of Uncertain Significance. Algorithms developed to predict the effect of missense changes on protein structure and function output the following: SIFT: "Tolerated"; PolyPhen-2: "Benign"; Align-GVGD: "Class C0". The valine amino acid residue is found in multiple mammalian species, which suggests that this missense change does not adversely affect protein function. This variant has not been reported in the literature in individuals affected with KAT6B-related conditions. This variant is not present in population databases (gnomAD no frequency).

NM_012330.4(KAT6B):c.1087A>G (p.Met363Val)

Gene: KAT6B (lysine acetyltransferase 6B; plus strand). Cytogenetic location: 10q22.2.
Variant type: single nucleotide variant.
Coding change: c.1087A>G on transcript NM_012330.4 (MANE Select); coding-DNA position 1087, A replaced by G.
Protein change: p.Met363Val; replaces methionine 363 with valine.
Molecular consequence: missense variant. On other transcripts: intron variant (5).
Genome position (GRCh38, 1-based): chr10:74,975,424, A>G. VCF-style: chr10-74975424-A-G. GRCh37 (hg19) VCF-style: chr10-76735182-A-G.
Other names: c.1087A>G, p.Met363Val (NM_001256468.2, NM_001256469.2, NM_001370132.1 and 7 more transcripts); c.846+5649A>G (NM_001370133.1); c.193-3800A>G (NM_001370134.1); c.929-1892A>G (NM_001370143.1, NM_001370144.1); c.193-13595A>G (NM_001370135.1); short protein forms M363V.
Identifiers: ClinVar variation 2615423 (VCV002615423.5), dbSNP rs2548950882, ClinGen allele CA377284464.